The following is an entry in ClinVar:

ClinVar aggregate classification (germline): Uncertain significance (1 of 4 stars; one submission).

Conditions:
PCNT-related disorder. Also called: PCNT-related condition.

Submission:

PreventionGenetics, part of Exact Sciences
Classification: Uncertain significance for PCNT-related condition. Last evaluated: 2025-11-04. Review status: criteria provided, single submitter. Criteria: ACMG Guidelines, 2015. Collection method: clinical testing. Allele origin: germline.
Comment: The PCNT c.6653T>C variant is predicted to result in the amino acid substitution p.Met2218Thr. To our knowledge, this variant has not been reported in the literature. This variant is reported in 0.00089% of alleles in individuals of European (Non-Finnish) descent in gnomAD. At this time, the clinical significance of this variant is uncertain due to the absence of conclusive functional and genetic evidence.

NM_006031.6(PCNT):c.6653T>C (p.Met2218Thr)

Gene: PCNT (pericentrin; plus strand). Cytogenetic location: 21q22.3.
Variant type: single nucleotide variant.
Coding change: c.6653T>C on transcript NM_006031.6 (MANE Select); coding-DNA position 6653, T replaced by C.
Protein change: p.Met2218Thr; replaces methionine 2218 with threonine.
Molecular consequence: missense variant.
Genome position (GRCh38, 1-based): chr21:46,416,571, T>C. VCF-style: chr21-46416571-T-C. GRCh37 (hg19) VCF-style: chr21-47836485-T-C.
Other names: c.6299T>C, p.Met2100Thr (NM_001315529.2); short protein forms M2218T, M2100T.
Identifiers: ClinVar variation 4978585 (VCV004978585.1).